The following is an entry in ClinVar:

ClinVar aggregate classification (germline): Pathogenic (1 of 4 stars; one submission).

Conditions:
Duchenne muscular dystrophy (DMD). Also called: MUSCULAR DYSTROPHY, PSEUDOHYPERTROPHIC PROGRESSIVE, DUCHENNE TYPE; Duchenne Muscular Dystrophy (DMD). Identifiers: Orphanet 98896, MedGen C0013264, MONDO:0010679, OMIM 310200.

Submission:

Labcorp Genetics (formerly Invitae), Labcorp
Classification: Pathogenic for Duchenne muscular dystrophy. Last evaluated: 2019-11-15. Review status: criteria provided, single submitter. Criteria: Invitae Variant Classification Sherloc (09022015). Collection method: clinical testing. Allele origin: germline.
Comment: This variant is a gross deletion of the genomic region encompassing exons 50-52 of the DMD gene. This creates a premature translational stop signal and is expected to result in an absent or disrupted protein product. Loss-of-function variants in DMD are known to be pathogenic. This particular variant has been reported in the literature in several individuals affected with Duchenne Muscular Dystrophy (PMID: 23914114, 18752307, 15723292, 18353051, 19461958). For these reasons, this variant has been classified as Pathogenic.

Literature cited by the submitters: PubMed 23914114; PubMed 19461958; PubMed 18752307; PubMed 18353051; PubMed 15723292.

NC_000023.11:g.(?_31729621)_(31820093_?)del

Gene: DMD (dystrophin; minus strand). Cytogenetic location: Xp21.1.
Variant type: Deletion.
Identifiers: ClinVar variation 661732 (VCV000661732.2).